The following is an entry in ClinVar:

NM_003835.4(RGS9):c.1375C>T (p.Arg459Ter)

Gene: RGS9 (regulator of G protein signaling 9; plus strand). Cytogenetic location: 17q24.1.
Variant type: single nucleotide variant.
Coding change: c.1375C>T on transcript NM_003835.4 (MANE Select); coding-DNA position 1375, C replaced by T.
Protein change: p.Arg459Ter; replaces arginine 459 with a stop codon.
Molecular consequence: nonsense.
Genome position (GRCh38, 1-based): chr17:65,210,573, C>T. VCF-style: chr17-65210573-C-T. GRCh37 (hg19) VCF-style: chr17-63206691-C-T.
Other names: c.1366C>T, p.Arg456Ter (NM_001081955.3, NM_001165933.2); short protein forms R456*, R459*.
Identifiers: ClinVar variation 2955669 (VCV002955669.3), dbSNP rs749253483, ClinGen allele CA8718016.
Genomic context (GRCh38, chr17:65,210,573, plus strand): 5'-CACCTGCGCTCCAGCCCAAGCCCTGTCATCCTGAGACAGCTGGAAGAGGAAGCCAAGGCC[C>T]GAGAAGCAGCCAACACTGTGGACATCACCCAGGTCATGAGCAAGCTGGACCGCAGGAGCC-3'

ClinVar aggregate classification (germline): Pathogenic (1 of 4 stars; one submission).

Allele frequency attached by ClinVar (database versions not stated): ExAC 0.00001; gnomAD 0.00001.

Submission:

Labcorp Genetics (formerly Invitae), Labcorp
Classification: Pathogenic. Last evaluated: 2024-12-03. Review status: criteria provided, single submitter. Criteria: Invitae Variant Classification Sherloc (09022015). Collection method: clinical testing. Allele origin: germline.
Comment: This sequence change creates a premature translational stop signal (p.Arg459*) in the RGS9 gene. It is expected to result in an absent or disrupted protein product. Loss-of-function variants in RGS9 are known to be pathogenic (PMID: 11262419, 14702087). This variant is present in population databases (rs749253483, gnomAD 0.003%). This variant has not been reported in the literature in individuals affected with RGS9-related conditions. ClinVar contains an entry for this variant (Variation ID: 2955669). For these reasons, this variant has been classified as Pathogenic.

Literature cited by the submitters: PubMed 11262419; PubMed 14702087.